The following is an entry in ClinVar:

NM_177972.3(TUB):c.96C>T (p.Ala32=)

Gene: TUB (TUB bipartite transcription factor; plus strand). Cytogenetic location: 11p15.4.
Variant type: single nucleotide variant.
Coding change: c.96C>T on transcript NM_177972.3 (MANE Select); coding-DNA position 96, C replaced by T.
Protein change: p.Ala32=; no amino-acid change (alanine 32 retained).
Molecular consequence: synonymous variant.
Genome position (GRCh38, 1-based): chr11:8,090,074, C>T. VCF-style: chr11-8090074-C-T. GRCh37 (hg19) VCF-style: chr11-8111621-C-T.
Other names: c.261C>T, p.Ala87= (NM_003320.5).
Identifiers: ClinVar variation 3353675 (VCV003353675.1).

ClinVar aggregate classification (germline): Likely benign (0 of 4 stars; one submission).

Conditions:
TUB-related disorder. Also called: TUB-related condition.

Submission:

PreventionGenetics, part of Exact Sciences
Classification: Likely benign for TUB-related condition. Last evaluated: 2022-10-03. Review status: no assertion criteria provided. Collection method: clinical testing. Allele origin: germline.
Comment: This variant is classified as likely benign based on ACMG/AMP sequence variant interpretation guidelines (Richards et al. 2015 PMID: 25741868, with internal and published modifications).